The following is an entry in ClinVar:

ClinVar aggregate classification (germline): Uncertain significance (1 of 4 stars; one submission).

Conditions:
Arrhythmogenic right ventricular dysplasia 13. Also called: ARRHYTHMOGENIC RIGHT VENTRICULAR CARDIOMYOPATHY 13; Arrhythmogenic right ventricular dysplasia, familial, 13. Identifiers: MedGen C3810138, MONDO:0000908, OMIM 615616.

Submission:

Labcorp Genetics (formerly Invitae), Labcorp
Classification: Uncertain significance for Arrhythmogenic right ventricular dysplasia 13. Last evaluated: 2017-10-11. Review status: criteria provided, single submitter. Criteria: Invitae Variant Classification Sherloc (09022015). Collection method: clinical testing. Allele origin: germline.
Comment: In summary, the available evidence is currently insufficient to determine the role of this variant in disease. Therefore, it has been classified as a Variant of Uncertain Significance. This sequence change replaces proline with threonine at codon 395 of the CTNNA3 protein (p.Pro395Thr). The proline residue is highly conserved and there is a small physicochemical difference between proline and threonine. This variant is not present in population databases (ExAC no frequency). This variant has not been reported in the literature in individuals with CTNNA3-related disease. Algorithms developed to predict the effect of missense changes on protein structure and function do not agree on the potential impact of this missense change (SIFT: "Deleterious"; PolyPhen-2: "Probably Damaging"; Align-GVGD: "Class C0").

NM_013266.4(CTNNA3):c.1183C>A (p.Pro395Thr)

Gene: CTNNA3 (catenin alpha 3; minus strand). Cytogenetic location: 10q21.3.
Variant type: single nucleotide variant.
Coding change: c.1183C>A on transcript NM_013266.4 (MANE Select); coding-DNA position 1183, C replaced by A.
Protein change: p.Pro395Thr; replaces proline 395 with threonine.
Molecular consequence: missense variant.
Genome position (GRCh38, 1-based): chr10:66,766,362, G>T on the plus strand (C>A on the coding strand, the complement: CTNNA3 is on the minus strand). VCF-style: chr10-66766362-G-T. GRCh37 (hg19) VCF-style: chr10-68526120-G-T.
Other names: c.1183C>A, p.Pro395Thr (NM_001127384.3); short protein forms P395T.
Identifiers: ClinVar variation 541666 (VCV000541666.8), dbSNP rs1554848924, ClinGen allele CA377091980.